The following is an entry in ClinVar:

ClinVar aggregate classification (germline): Uncertain significance. Review status: criteria provided, multiple submitters, no conflicts (2 of 4 stars). 4 submissions from 4 submitters: Uncertain significance (4). Last evaluated 2024-04-10.

Conditions:
Brain small vessel disease 1 with or without ocular anomalies (BSVD1). Also called: Brain small vessel disease with or without ocular anomalies; BRAIN SMALL VESSEL DISEASE WITH HEMORRHAGE; PORENCEPHALY, TYPE 1, AUTOSOMAL DOMINANT; GOULD SYNDROME 1. Identifiers: Orphanet 2940, Orphanet 36383, Orphanet 99810, MedGen C4755307, MONDO:0008289, OMIM 175780.
Retinal arterial tortuosity. Also called: Retinal arteries, tortuosity of; RETINAL HEMORRHAGE WITH VASCULAR TORTUOSITY. Identifiers: Orphanet 75326, MedGen C0423401, MONDO:0008373, OMIM 180000, HP:0000631.
Autosomal dominant familial hematuria-retinal arteriolar tortuosity-contractures syndrome. Also called: Angiopathy, hereditary, with nephropathy, aneurysms, and muscle cramps; Hereditary Angiopathy with Nephropathy, Aneurysms, and Muscle Cramps (HANAC) Syndrome. Identifiers: Orphanet 73229, MedGen C2673195, MONDO:0012726, OMIM 611773.
Microangiopathy and leukoencephalopathy, pontine, autosomal dominant. Also called: Pontine autosomal dominant microangiopathy with leukoencephalopathy; DEMENTIA, HEREDITARY MULTI-INFARCT, SWEDISH TYPE. Identifiers: Orphanet 477749, MedGen C5231411, MONDO:0032814, OMIM 618564.
Hemorrhage, intracerebral, susceptibility to (ICH). Also called: Stroke, hemorrhagic, susceptibility to. Identifiers: MedGen C3281105, MONDO:0100533, OMIM 614519.

Allele frequency attached by ClinVar (database versions not stated): gnomAD 0.00001; gnomAD exomes 0.00001; TOPMed 0.00001.
gnomAD v4.1: 14 of 1,613,990 alleles (0.00087%); highest among the groups gnomAD compares: Admixed American, 0.0017%; no homozygotes.

Submissions (4):

Fulgent Genetics
Classification: Uncertain significance for Brain small vessel disease 1 with or without ocular anomalies; Retinal arterial tortuosity; Autosomal dominant familial hematuria-retinal arteriolar tortuosity-contractures syndrome; Hemorrhage, intracerebral, susceptibility to; Microangiopathy and leukoencephalopathy, pontine, autosomal dominant. Last evaluated: 2024-04-10. Review status: criteria provided, single submitter. Criteria: ACMG Guidelines, 2015. Collection method: clinical testing. Allele origin: germline.

Revvity Omics, Revvity
Classification: Uncertain significance. Last evaluated: 2024-03-11. Review status: criteria provided, single submitter. Criteria: ACMG Guidelines, 2015. Collection method: clinical testing. Allele origin: germline.

Women's Health and Genetics/Laboratory Corporation of America, LabCorp
Classification: Uncertain significance. Last evaluated: 2024-01-04. Review status: criteria provided, single submitter. Criteria: LabCorp Variant Classification Summary - May 2015. Collection method: clinical testing. Allele origin: germline.
Comment: Variant summary: COL4A1 c.4727C>T (p.Ser1576Leu) results in a non-conservative amino acid change located in the Collagen IV, non-collagenous domain (IPR001442) of the encoded protein sequence. Five of five in-silico tools predict a damaging effect of the variant on protein function. The variant allele was found at a frequency of 8e-06 in 251388 control chromosomes (gnomAD). The available data on variant occurrences in the general population are insufficient to allow any conclusion about variant significance. c.4727C>T has been reported in the literature in one individual affected with schizencephaly (Cavallin_2018). The report does not provide unequivocal conclusions about association of the variant with Porencephaly 1. To our knowledge, no experimental evidence demonstrating an impact on protein function has been reported. The following publication have been ascertained in the context of this evaluation (PMID: 30315939). No submitters have cited clinical-significance assessments for this variant to ClinVar after 2014. Based on the evidence outlined above, the variant was classified as uncertain significance.

Labcorp Genetics (formerly Invitae), Labcorp
Classification: Uncertain significance. Last evaluated: 2023-12-02. Review status: criteria provided, single submitter. Criteria: Invitae Variant Classification Sherloc (09022015). Collection method: clinical testing. Allele origin: germline.
Comment: This sequence change replaces serine, which is neutral and polar, with leucine, which is neutral and non-polar, at codon 1576 of the COL4A1 protein (p.Ser1576Leu). This variant is present in population databases (no rsID available, gnomAD 0.003%). This missense change has been observed in individual(s) with clinical features of COL4A1-related conditions (PMID: 30315939). Experimental studies and prediction algorithms are not available or were not evaluated, and the functional significance of this variant is currently unknown. In summary, the available evidence is currently insufficient to determine the role of this variant in disease. Therefore, it has been classified as a Variant of Uncertain Significance.

Literature cited by the submitters: PubMed 30315939 (cited by Women's Health and Genetics/Laboratory Corporation of America, LabCorp and Labcorp Genetics (formerly Invitae), Labcorp).

NM_001845.6(COL4A1):c.4727C>T (p.Ser1576Leu)

Gene: COL4A1 (collagen type IV alpha 1 chain; minus strand). Cytogenetic location: 13q34.
Variant type: single nucleotide variant.
Coding change: c.4727C>T on transcript NM_001845.6 (MANE Select); coding-DNA position 4727, C replaced by T.
Protein change: p.Ser1576Leu; replaces serine 1576 with leucine.
Molecular consequence: missense variant.
Genome position (GRCh38, 1-based): chr13:110,155,311, G>A on the plus strand (C>T on the coding strand, the complement: COL4A1 is on the minus strand). VCF-style: chr13-110155311-G-A. GRCh37 (hg19) VCF-style: chr13-110807658-G-A.
Other names: short protein forms S1576L.
Identifiers: ClinVar variation 2915488 (VCV002915488.6), dbSNP rs1188888218, ClinGen allele CA388655576.
Genomic context (GRCh38, chr13:110,155,311, plus strand): 5'-CCGGGAAATATGGCGTCTCCCCAGACACTTACCATCACAAAAGAGTAGCCGATCCACAGC[G>A]AGGACCACCCGCTGGGGCACGGTGGGATCTGAATGGTCTGGCTGTGCACGGCCATCACCA-3'
Protein context (NP_001836.3, residues 1566-1586): QIPPCPSGWS[Ser1576Leu]LWIGYSFVMH